The following is an entry in ClinVar:

ClinVar aggregate classification (germline): Uncertain significance. Review status: criteria provided, multiple submitters, no conflicts (2 of 4 stars). 6 submissions from 6 submitters: Uncertain significance (5). 1 of the submissions does not count toward it. Last evaluated 2024-02-28.

Conditions:
Inborn genetic diseases. Identifiers: MedGen C0950123, MeSH D030342.
Usher syndrome type 1F (USH1F). Also called: USHER SYNDROME, TYPE IF. Identifiers: Orphanet 231169, Orphanet 886, MedGen C1865885, MONDO:0011186, OMIM 602083.
Usher syndrome type 1D (USH1D). Also called: USHER SYNDROME, TYPE ID. Identifiers: Orphanet 231169, Orphanet 886, MedGen C1832845, MONDO:0010984, OMIM 601067.
Autosomal recessive nonsyndromic hearing loss 23. Identifiers: Orphanet 90636, MedGen C1836027, MONDO:0012293, OMIM 609533.

Allele frequency attached by ClinVar (database versions not stated): TOPMed 0.00005; ESP Exome Variant Server 0.00008.
gnomAD v4.1: 38 of 1,613,604 alleles (0.0024%); highest among the groups gnomAD compares: Non-Finnish European, 0.0031%; no homozygotes.

Submissions (6):

Ambry Genetics
Classification: Uncertain significance for Inborn genetic diseases. Last evaluated: 2024-02-28. Review status: criteria provided, single submitter. Criteria: Ambry Variant Classification Scheme 2023. Collection method: clinical testing. Allele origin: germline.

GeneDx
Classification: Uncertain significance. Last evaluated: 2022-09-15. Review status: criteria provided, single submitter. Criteria: GeneDx Variant Classification Process June 2021. Collection method: clinical testing. Allele origin: germline. Affected: yes.
Comment: Not observed at significant frequency in large population cohorts (gnomAD); In silico analysis supports that this missense variant does not alter protein structure/function; Has not been previously published as pathogenic or benign to our knowledge

Labcorp Genetics (formerly Invitae), Labcorp
Classification: Uncertain significance. Last evaluated: 2022-08-16. Review status: criteria provided, single submitter. Criteria: Invitae Variant Classification Sherloc (09022015). Collection method: clinical testing. Allele origin: germline.
Comment: This sequence change replaces arginine, which is basic and polar, with leucine, which is neutral and non-polar, at codon 764 of the PCDH15 protein (p.Arg764Leu). The frequency data for this variant in the population databases is considered unreliable, as metrics indicate poor data quality at this position in the gnomAD database. This variant has not been reported in the literature in individuals affected with PCDH15-related conditions. ClinVar contains an entry for this variant (Variation ID: 990234). Algorithms developed to predict the effect of missense changes on protein structure and function (SIFT, PolyPhen-2, Align-GVGD) all suggest that this variant is likely to be tolerated. In summary, the available evidence is currently insufficient to determine the role of this variant in disease. Therefore, it has been classified as a Variant of Uncertain Significance.

Fulgent Genetics
Classification: Uncertain significance for Usher syndrome type 1D; Usher syndrome type 1F; Autosomal recessive nonsyndromic hearing loss 23. Last evaluated: 2021-08-12. Review status: criteria provided, single submitter. Criteria: ACMG Guidelines, 2015. Collection method: clinical testing. Allele origin: unknown.

Blueprint Genetics
Classification: Uncertain significance. Last evaluated: 2019-10-08. Review status: criteria provided, single submitter. Criteria: ACMG Guidelines, 2015. Collection method: clinical testing. Allele origin: germline.

Natera, Inc.
Classification: Uncertain significance for Usher syndrome type 1F. Last evaluated: 2020-04-17. Review status: no assertion criteria provided. Collection method: clinical testing. Allele origin: germline. Not counted in ClinVar's aggregate classification.

NM_001384140.1(PCDH15):c.2291G>T (p.Arg764Leu)

Gene: PCDH15 (protocadherin related 15; minus strand). Cytogenetic location: 10q21.1.
Variant type: single nucleotide variant.
Coding change: c.2291G>T on transcript NM_001384140.1 (MANE Select); coding-DNA position 2291, G replaced by T.
Protein change: p.Arg764Leu; replaces arginine 764 with leucine.
Molecular consequence: missense variant.
Genome position (GRCh38, 1-based): chr10:54,023,127, C>A on the plus strand (G>T on the coding strand, the complement: PCDH15 is on the minus strand). VCF-style: chr10-54023127-C-A. GRCh37 (hg19) VCF-style: chr10-55782887-C-A.
Other names: c.2306G>T, p.Arg769Leu (NM_001142763.2, NM_001142771.2); c.2291G>T, p.Arg764Leu (NM_001142764.2, NM_001142766.2, NM_001142770.3 and 5 more transcripts); c.2078G>T, p.Arg693Leu (NM_001142765.2); c.2180G>T, p.Arg727Leu (NM_001142767.2); c.2225G>T, p.Arg742Leu (NM_001142768.2, NM_001142773.2, NM_001354404.2); c.2327G>T, p.Arg776Leu (NM_001142769.4); c.2291G>T (NM_033056.3); c.2312G>T, p.Arg771Leu (NM_001354411.2); short protein forms R693L, R727L, R742L, R764L, R769L, R771L, R776L.
Identifiers: ClinVar variation 990234 (VCV000990234.7), dbSNP rs375282189, ClinGen allele CA5506057.